The following is an entry in ClinVar:

NM_024120.5(NDUFAF5):c.603_627del (p.Gln202fs)

Gene: NDUFAF5 (NADH:ubiquinone oxidoreductase complex assembly factor 5; plus strand). Cytogenetic location: 20p12.1.
Variant type: Deletion.
Coding change: c.603_627del on transcript NM_024120.5 (MANE Select); coding-DNA positions 603 to 627, 25 bases deleted (ACAGTTAGCGGAAACGGAAAGGGAA).
Protein change: p.Gln202fs; shifts the reading frame from glutamine 202.
Molecular consequence: frameshift variant. On other transcripts: non-coding transcript variant (7).
Genome position (GRCh38, 1-based): chr20:13,801,569-13,801,593, ACAGTTAGCGGAAACGGAAAGGGAA deleted. VCF-style (leftmost placement, unchanged base first): chr20-13801568-TACAGTTAGCGGAAACGGAAAGGGAA-T. GRCh37 (hg19) VCF-style: chr20-13782214-TACAGTTAGCGGAAACGGAAAGGGAA-T.
Other names: c.519_543del, p.Gln174fs (NM_001039375.3); c.132_156del, p.Gln45fs (NM_001352403.2); c.42_66del, p.Gln15fs (NM_001352406.2, NM_001352407.2); c.603_627del, p.Gln202fs (NM_001352408.2); short protein forms Q174fs, Q202fs, Q15fs, Q45fs.
Identifiers: ClinVar variation 2015745 (VCV002015745.4), dbSNP rs2516187639, ClinGen allele CA2580097887.

ClinVar aggregate classification (germline): Pathogenic (1 of 4 stars; one submission).

Submission:

Labcorp Genetics (formerly Invitae), Labcorp
Classification: Pathogenic. Last evaluated: 2022-07-10. Review status: criteria provided, single submitter. Criteria: Invitae Variant Classification Sherloc (09022015). Collection method: clinical testing. Allele origin: germline.
Comment: This variant has not been reported in the literature in individuals affected with NDUFAF5-related conditions. For these reasons, this variant has been classified as Pathogenic. This variant is not present in population databases (gnomAD no frequency). This sequence change creates a premature translational stop signal (p.Gln202Glufs*28) in the NDUFAF5 gene. It is expected to result in an absent or disrupted protein product. Loss-of-function variants in NDUFAF5 are known to be pathogenic (PMID: 26275793, 30473481, 32918965).

Literature cited by the submitters: PubMed 26275793; PubMed 30473481; PubMed 32918965.